The following is an entry in ClinVar:

ClinVar aggregate classification (germline): Uncertain significance. Review status: criteria provided, multiple submitters, no conflicts (2 of 4 stars). 6 submissions from 6 submitters: Uncertain significance (6). Last evaluated 2026-04-22.

Conditions:
NEXN-related disorder. Also called: NEXN-related condition; NEXN-related disorders.
Cardiovascular phenotype. Identifiers: MedGen CN230736.
Dilated cardiomyopathy 1CC (CMD1CC). Identifiers: Orphanet 154, MedGen C2751084, MONDO:0013147, OMIM 613122.
Hypertrophic cardiomyopathy 20. Identifiers: MedGen C3151267, MONDO:0013477, OMIM 613876.

Allele frequency attached by ClinVar (database versions not stated): gnomAD exomes 0.00001 and 0.00002; ExAC 0.00002; gnomAD 0.00002 and 0.00004; TOPMed 0.00003.
gnomAD v4.1: 25 of 1,613,598 alleles (0.0015%); highest among the groups gnomAD compares: Middle Eastern, 0.016%; no homozygotes.

Submissions (6):

PreventionGenetics, part of Exact Sciences
Classification: Uncertain significance for NEXN-related condition. Last evaluated: 2026-04-22. Review status: criteria provided, single submitter. Criteria: ACMG Guidelines, 2015. Collection method: clinical testing. Allele origin: germline.
Comment: The NEXN c.836G>A variant is predicted to result in the amino acid substitution p.Arg279His. This variant has been reported as a variant of uncertain significance in a cohort study of sudden unexplained death cases (Table S3, Lin et al. 2017. PubMed ID: 29247119). This variant is reported in 0.0087% of alleles in individuals of Latino descent in gnomAD. At this time, the clinical significance of this variant is uncertain due to the absence of conclusive functional and genetic evidence.

Labcorp Genetics (formerly Invitae), Labcorp
Classification: Uncertain significance for Dilated cardiomyopathy 1CC; Hypertrophic cardiomyopathy 20. Last evaluated: 2025-12-16. Review status: criteria provided, single submitter. Criteria: Invitae Variant Classification Sherloc (09022015). Collection method: clinical testing. Allele origin: germline.
Comment: This sequence change replaces arginine, which is basic and polar, with histidine, which is basic and polar, at codon 279 of the NEXN protein (p.Arg279His). This variant is present in population databases (rs750349053, gnomAD 0.009%). This missense change has been observed in individual(s) with sudden unexplained death (PMID: 29247119). ClinVar contains an entry for this variant (Variation ID: 229059). Invitae Evidence Modeling of protein sequence and biophysical properties (such as structural, functional, and spatial information, amino acid conservation, physicochemical variation, residue mobility, and thermodynamic stability) indicates that this missense variant is not expected to disrupt NEXN protein function with a negative predictive value of 80%. In summary, the available evidence is currently insufficient to determine the role of this variant in disease. Therefore, it has been classified as a Variant of Uncertain Significance.

Ambry Genetics
Classification: Uncertain significance for Cardiovascular phenotype. Last evaluated: 2025-03-18. Review status: criteria provided, single submitter. Criteria: Ambry Variant Classification Scheme 2023. Collection method: clinical testing. Allele origin: germline.
Comment: The p.R279H variant (also known as c.836G>A), located in coding exon 7 of the NEXN gene, results from a G to A substitution at nucleotide position 836. The arginine at codon 279 is replaced by histidine, an amino acid with highly similar properties. This alteration has been reported in a sudden unexplained death cohort (Lin Y et al. Circ Cardiovasc Genet, 2017 Dec;10:). This amino acid position is well conserved in available vertebrate species. In addition, the in silico prediction for this alteration is inconclusive. Since supporting evidence is limited at this time, the clinical significance of this alteration remains unclear.

ARUP Laboratories, Molecular Genetics and Genomics, ARUP Laboratories
Classification: Uncertain significance. Last evaluated: 2023-09-08. Review status: criteria provided, single submitter. Criteria: ARUP Molecular Germline Variant Investigation Process 2024. Collection method: clinical testing. Allele origin: germline.
Comment: The NEXN c.836G>A; p.Arg279His variant (rs750349053) is reported in the literature in a cohort of individuals with sudden unexpected death, although its clinical significance was not demonstrated (Lin 2017). This variant is found in the general population with a low overall allele frequency of 0.002% (5/248,420 alleles) in the Genome Aggregation Database. Computational analyses are uncertain whether this variant is neutral or deleterious (REVEL: 0.174). Given the lack of clinical and functional data, the significance of the p.Arg279His variant is uncertain at this time. References: Lin Y et al. Applying High-Resolution Variant Classification to Cardiac Arrhythmogenic Gene Testing in a Demographically Diverse Cohort of Sudden Unexplained Deaths. Circ Cardiovasc Genet. 2017 Dec;10(6):e001839. PMID: 29247119.

Fulgent Genetics
Classification: Uncertain significance for Dilated cardiomyopathy 1CC; Hypertrophic cardiomyopathy 20. Last evaluated: 2021-10-22. Review status: criteria provided, single submitter. Criteria: ACMG Guidelines, 2015. Collection method: clinical testing. Allele origin: unknown.

Laboratory for Molecular Medicine, Mass General Brigham Personalized Medicine
Classification: Uncertain significance. Last evaluated: 2015-02-12. Review status: criteria provided, single submitter. Criteria: LMM Criteria. Collection method: clinical testing. Allele origin: germline. Observed: 1 variant allele.
Comment: The p.Arg279His variant in NEXN has not been previously reported in individuals with cardiomyopathy, but has been identified in 1/65886 of European chromosomes and 1/11492 of Latino chromosomes by the Exome Aggregation Consortium (ExAC). Computational prediction tools and conservation an alysis do not provide strong support for or against an impact to the protein. In summary, the clinical significance of the p.Arg279His variant is uncertain.

Literature cited by the submitters: PubMed 29247119 (cited by Labcorp Genetics (formerly Invitae), Labcorp and Ambry Genetics).

NM_144573.4(NEXN):c.836G>A (p.Arg279His)

Gene: NEXN (nexilin F-actin binding protein; plus strand). Cytogenetic location: 1p31.1.
Variant type: single nucleotide variant.
Coding change: c.836G>A on transcript NM_144573.4 (MANE Select); coding-DNA position 836, G replaced by A.
Protein change: p.Arg279His; replaces arginine 279 with histidine.
Molecular consequence: missense variant.
Genome position (GRCh38, 1-based): chr1:77,926,864, G>A. VCF-style: chr1-77926864-G-A. GRCh37 (hg19) VCF-style: chr1-78392549-G-A.
Other names: c.644G>A, p.Arg215His (NM_001172309.2); short protein forms R279H, R215H.
Identifiers: ClinVar variation 229059 (VCV000229059.14), dbSNP rs750349053, ClinGen allele CA918742.